The following is an entry in ClinVar:

NM_005477.3(HCN4):c.2443G>A (p.Gly815Ser)

Gene: HCN4 (hyperpolarization activated cyclic nucleotide gated potassium channel 4; minus strand). Cytogenetic location: 15q24.1.
Variant type: single nucleotide variant.
Coding change: c.2443G>A on transcript NM_005477.3 (MANE Select); coding-DNA position 2443, G replaced by A.
Protein change: p.Gly815Ser; replaces glycine 815 with serine.
Molecular consequence: missense variant.
Genome position (GRCh38, 1-based): chr15:73,323,650, C>T on the plus strand (G>A on the coding strand, the complement: HCN4 is on the minus strand). VCF-style: chr15-73323650-C-T. GRCh37 (hg19) VCF-style: chr15-73615991-C-T.
Other names: short protein forms G815S.
Identifiers: ClinVar variation 3283658 (VCV003283658.3).

ClinVar aggregate classification (germline): Uncertain significance. Review status: criteria provided, multiple submitters, no conflicts (2 of 4 stars). 2 submissions from 2 submitters: Uncertain significance (2). Last evaluated 2026-01-31.

Conditions:
Brugada syndrome 8 (BRGDA8). Identifiers: Orphanet 130, MedGen C2751083, MONDO:0013148, OMIM 613123.
Cardiovascular phenotype. Identifiers: MedGen CN230736.

gnomAD v4.1: 3 of 1,595,936 alleles (0.00019%); highest among the groups gnomAD compares: Non-Finnish European, 0.00026%; no homozygotes.

Submissions (2):

Labcorp Genetics (formerly Invitae), Labcorp
Classification: Uncertain significance for Brugada syndrome 8. Last evaluated: 2026-01-31. Review status: criteria provided, single submitter. Criteria: Invitae Variant Classification Sherloc (09022015). Collection method: clinical testing. Allele origin: germline.
Comment: This sequence change replaces glycine, which is neutral and non-polar, with serine, which is neutral and polar, at codon 815 of the HCN4 protein (p.Gly815Ser). This variant is not present in population databases (gnomAD no frequency). This variant has not been reported in the literature in individuals affected with HCN4-related conditions. ClinVar contains an entry for this variant (Variation ID: 3283658). Invitae Evidence Modeling of protein sequence and biophysical properties (such as structural, functional, and spatial information, amino acid conservation, physicochemical variation, residue mobility, and thermodynamic stability) indicates that this missense variant is not expected to disrupt HCN4 protein function with a negative predictive value of 95%. In summary, the available evidence is currently insufficient to determine the role of this variant in disease. Therefore, it has been classified as a Variant of Uncertain Significance.

Ambry Genetics
Classification: Uncertain significance for Cardiovascular phenotype. Last evaluated: 2024-04-26. Review status: criteria provided, single submitter. Criteria: Ambry Variant Classification Scheme 2023. Collection method: clinical testing. Allele origin: germline.
Comment: The p.G815S variant (also known as c.2443G>A), located in coding exon 8 of the HCN4 gene, results from a G to A substitution at nucleotide position 2443. The glycine at codon 815 is replaced by serine, an amino acid with similar properties. This amino acid position is conserved. In addition, this alteration is predicted to be tolerated by in silico analysis. Based on the available evidence, the clinical significance of this variant remains unclear.